The following is an entry in ClinVar:

ClinVar aggregate classification (germline): Uncertain significance (1 of 4 stars; one submission).

Allele frequency attached by ClinVar (database versions not stated): gnomAD exomes 0.00001; TOPMed 0.00002; gnomAD 0.00003; 1000 Genomes Project 30x 0.00016; 1000 Genomes Project 0.00020.
gnomAD v4.1: 16 of 1,607,526 alleles (0.001%); highest among the groups gnomAD compares: Admixed American, 0.0033%; no homozygotes.

Submission:

Labcorp Genetics (formerly Invitae), Labcorp
Classification: Uncertain significance. Last evaluated: 2022-11-12. Review status: criteria provided, single submitter. Criteria: Invitae Variant Classification Sherloc (09022015). Collection method: clinical testing. Allele origin: germline.
Comment: This sequence change replaces aspartic acid, which is acidic and polar, with asparagine, which is neutral and polar, at codon 428 of the FERMT1 protein (p.Asp428Asn). This variant is present in population databases (rs538697423, gnomAD 0.003%). This variant has not been reported in the literature in individuals affected with FERMT1-related conditions. Advanced modeling of protein sequence and biophysical properties (such as structural, functional, and spatial information, amino acid conservation, physicochemical variation, residue mobility, and thermodynamic stability) has been performed at Invitae for this missense variant, however the output from this modeling did not meet the statistical confidence thresholds required to predict the impact of this variant on FERMT1 protein function. In summary, the available evidence is currently insufficient to determine the role of this variant in disease. Therefore, it has been classified as a Variant of Uncertain Significance.

NM_017671.5(FERMT1):c.1282G>A (p.Asp428Asn)

Gene: FERMT1 (FERM domain containing kindlin 1; minus strand). Cytogenetic location: 20p12.3.
Variant type: single nucleotide variant.
Coding change: c.1282G>A on transcript NM_017671.5 (MANE Select); coding-DNA position 1282, G replaced by A.
Protein change: p.Asp428Asn; replaces aspartic acid 428 with asparagine.
Molecular consequence: missense variant.
Genome position (GRCh38, 1-based): chr20:6,087,866, C>T on the plus strand (G>A on the coding strand, the complement: FERMT1 is on the minus strand). VCF-style: chr20-6087866-C-T. GRCh37 (hg19) VCF-style: chr20-6068513-C-T.
Other names: short protein forms D428N.
Identifiers: ClinVar variation 2056339 (VCV002056339.3), dbSNP rs538697423, ClinGen allele CA311212513.